The following is an entry in ClinVar:

NM_017617.5(NOTCH1):c.2364_2367dup (p.Thr790fs)

Gene: NOTCH1 (notch receptor 1; minus strand). Cytogenetic location: 9q34.3.
Variant type: Duplication.
Coding change: c.2364_2367dup on transcript NM_017617.5 (MANE Select); coding-DNA positions 2364 to 2367, 4 bases duplicated (CCAG; older notation c.2364_2367dupCCAG).
Protein change: p.Thr790fs; shifts the reading frame from threonine 790.
Molecular consequence: frameshift variant.
Genome position (GRCh38, 1-based): chr9:136,513,121-136,513,124, CTGG duplicated on the plus strand (CCAG on the coding strand, the reverse complement: NOTCH1 is on the minus strand); duplicating any 4 consecutive bases within chr9:136,513,121-136,513,125 gives the same sequence; the c. name uses the placement nearest the transcript's 3' end. VCF-style (leftmost placement, unchanged base first): chr9-136513120-T-TCTGG. GRCh37 (hg19) VCF-style: chr9-139407572-T-TCTGG.
Other names: short protein forms T790fs.
Identifiers: ClinVar variation 4280019 (VCV004280019.1).
Genomic context (GRCh38, chr9:136,513,120, plus strand): 5'-CGTCGTCAATACACGTGCCCTGGTTCAGACATGGGTTGGACGCACACTCGTTGATGTTGG[T>TCTGG]CTGGCAGTTGGGACCTGGAGGGAAGGGGACAGCACTCGGCATGTCCAGCACTCCCAGGCA-3'

ClinVar aggregate classification (germline): Likely pathogenic (1 of 4 stars; one submission).

Conditions:
Aortic valve disease 1 (AOVD1). Identifiers: MedGen C3887892, MONDO:0024523, OMIM 109730.

Submission:

Johns Hopkins Genomics, Johns Hopkins University
Classification: Likely pathogenic for Aortic valve disease 1. Last evaluated: 2024-03-25. Review status: criteria provided, single submitter. Criteria: ACMG Guidelines, 2015. Collection method: clinical testing. Allele origin: germline.
Comment: This NOTCH1 variant is absent from a large population dataset and has not been reported previously in ClinVar, nor the literature to our knowledge. This frameshift variant (p.Thr790ProfsTer20) in exon 15 of 34 results in a premature termination codon (PTC), likely leading to nonsense-mediated decay (NMD) and lack of protein production. We consider c.2364_2367dup to be likely pathogenic for aortic valve disease 1.

Literature cited by the submitters: PubMed 16025100; PubMed 18593716; PubMed 21457232; PubMed 26820064; PubMed 27760138; PubMed 29767458.